The following is an entry in ClinVar:

ClinVar aggregate classification (germline): Benign (1 of 4 stars; one submission).

Submission:

GeneDx
Classification: Benign. Last evaluated: 2018-06-14. Review status: criteria provided, single submitter. Criteria: GeneDx Variant Classification (06012015). Collection method: clinical testing. Allele origin: germline. Affected: yes.
Comment: This variant is considered likely benign or benign based on one or more of the following criteria: it is a conservative change, it occurs at a poorly conserved position in the protein, it is predicted to be benign by multiple in silico algorithms, and/or has population frequency not consistent with disease.

NM_004863.4(SPTLC2):c.133-221dup

Gene: SPTLC2 (serine palmitoyltransferase long chain base subunit 2; minus strand). Cytogenetic location: 14q24.3.
Variant type: Duplication.
Coding change: c.133-221dup on transcript NM_004863.4 (MANE Select); 221 bases into the intron before coding-DNA position 133, one base duplicated (G; older notation c.133-221dupG).
Molecular consequence: intron variant.
Genome position (GRCh38, 1-based): chr14:77,597,600, C duplicated on the plus strand (G on the coding strand, the reverse complement: SPTLC2 is on the minus strand); the first of 2 consecutive C bases (chr14:77,597,600-77,597,601); duplicating either gives the same sequence. VCF-style (leftmost placement, unchanged base first): chr14-77597599-A-AC. GRCh37 (hg19) VCF-style: chr14-78063942-A-AC.
Identifiers: ClinVar variation 670578 (VCV000670578.1), dbSNP rs35139171, ClinGen allele CA263850538.